The following is an entry in ClinVar:

ClinVar aggregate classification (germline): Uncertain significance (1 of 4 stars; one submission).

Allele frequency attached by ClinVar (database versions not stated): gnomAD exomes below 0.00001; gnomAD 0.00001.

Submission:

GeneDx
Classification: Uncertain significance. Last evaluated: 2023-05-14. Review status: criteria provided, single submitter. Criteria: GeneDx Variant Classification Process June 2021. Collection method: clinical testing. Allele origin: germline. Affected: yes.
Comment: Not observed at significant frequency in large population cohorts (gnomAD); In silico analysis supports that this missense variant does not alter protein structure/function; Has not been previously published as pathogenic or benign to our knowledge

NM_024496.4(IRF2BPL):c.658T>G (p.Ser220Ala)

Gene: IRF2BPL (interferon regulatory factor 2 binding protein like; minus strand). Cytogenetic location: 14q24.3.
Variant type: single nucleotide variant.
Coding change: c.658T>G on transcript NM_024496.4 (MANE Select); coding-DNA position 658, T replaced by G.
Protein change: p.Ser220Ala; replaces serine 220 with alanine.
Molecular consequence: missense variant.
Genome position (GRCh38, 1-based): chr14:77,027,135, A>C on the plus strand (T>G on the coding strand, the complement: IRF2BPL is on the minus strand). VCF-style: chr14-77027135-A-C. GRCh37 (hg19) VCF-style: chr14-77493478-A-C.
Other names: short protein forms S220A.
Identifiers: ClinVar variation 2662337 (VCV002662337.1), dbSNP rs1885156787, ClinGen allele CA390498896.
Genomic context (GRCh38, chr14:77,027,135, plus strand): 5'-GCAGCCCCGTAACCAGCCCACCGTGCGTTCCACGCCGAGACGCCACCGACGCCGCCGCTG[A>C]AGAAGAATTGGGGCTCTGACGGTTCAGCTCTGGGGGTCCCTCCTCTGGTGTTGGTTTGGG-3'
Protein context (NP_078772.1, residues 210-230): ELNRQSPNSS[Ser220Ala]AAASVASRRG